The following is an entry in ClinVar:

NM_014874.4(MFN2):c.1151G>A (p.Arg384Gln)

Gene: MFN2 (mitofusin 2; plus strand). Cytogenetic location: 1p36.22.
Variant type: single nucleotide variant.
Coding change: c.1151G>A on transcript NM_014874.4 (MANE Select); coding-DNA position 1151, G replaced by A.
Protein change: p.Arg384Gln; replaces arginine 384 with glutamine.
Molecular consequence: missense variant.
Genome position (GRCh38, 1-based): chr1:12,002,094, G>A. VCF-style: chr1-12002094-G-A. GRCh37 (hg19) VCF-style: chr1-12062151-G-A.
Other names: c.1151G>A, p.Arg384Gln (NM_001127660.2); short protein forms R384Q.
Identifiers: ClinVar variation 444158 (VCV000444158.49), dbSNP rs565042936, ClinGen allele CA599019.
Genomic context (GRCh38, chr1:12,002,094, plus strand): 5'-GGGCCAAGCAGATTGCAGAGGCGGTTCGACTCATCATGGACTCCCTGCACATGGCGGCTC[G>A]GGAGCAGCAGTAAGAGTCCAAGACTGCAGATAGGTGGAGAGAGCTGCCGAGACAAGGGTG-3'
Protein context (NP_055689.1, residues 374-394): LIMDSLHMAA[Arg384Gln]EQQVYCEEMR

ClinVar aggregate classification (germline): Uncertain significance. Review status: criteria provided, multiple submitters, no conflicts (2 of 4 stars). 2 submissions from 2 submitters: Uncertain significance (2). Last evaluated 2026-01-06.

Conditions:
Charcot-Marie-Tooth disease type 2. Also called: Charcot-Marie-Tooth type 2. Identifiers: Orphanet 64746, MedGen C0270914, MONDO:0018993.

Allele frequency attached by ClinVar (database versions not stated): gnomAD exomes below 0.00001; ExAC 0.00001; gnomAD 0.00001; 1000 Genomes Project 30x 0.00016; 1000 Genomes Project 0.00020.
gnomAD v4.1: 10 of 1,614,208 alleles (0.00062%); highest among the groups gnomAD compares: Middle Eastern, 0.016%; no homozygotes.

Submissions (2):

Labcorp Genetics (formerly Invitae), Labcorp
Classification: Uncertain significance for Charcot-Marie-Tooth disease type 2. Last evaluated: 2026-01-06. Review status: criteria provided, single submitter. Criteria: Invitae Variant Classification Sherloc (09022015). Collection method: clinical testing. Allele origin: germline.
Comment: This sequence change replaces arginine, which is basic and polar, with glutamine, which is neutral and polar, at codon 384 of the MFN2 protein (p.Arg384Gln). This variant is present in population databases (rs565042936, gnomAD 0.003%). This variant has not been reported in the literature in individuals affected with MFN2-related conditions. ClinVar contains an entry for this variant (Variation ID: 444158). Invitae Evidence Modeling of protein sequence and biophysical properties (such as structural, functional, and spatial information, amino acid conservation, physicochemical variation, residue mobility, and thermodynamic stability) indicates that this missense variant is not expected to disrupt MFN2 protein function with a negative predictive value of 95%. In summary, the available evidence is currently insufficient to determine the role of this variant in disease. Therefore, it has been classified as a Variant of Uncertain Significance.

CeGaT Center for Human Genetics Tuebingen
Classification: Uncertain significance. Last evaluated: 2017-06-01. Review status: criteria provided, single submitter. Criteria: CeGaT Center For Human Genetics Tuebingen Variant Classification Criteria Version 2. Collection method: clinical testing. Allele origin: germline. Affected: yes. Observed: 1 variant allele.